The following is an entry in ClinVar:

ClinVar aggregate classification (germline): Uncertain significance (1 of 4 stars; one submission).

Conditions:
Left ventricular noncompaction 8 (LVNC8). Identifiers: Orphanet 154, Orphanet 54260, MedGen C3809288, MONDO:0014152, OMIM 615373.

Allele frequency attached by ClinVar (database versions not stated): gnomAD 0.00001; gnomAD exomes 0.00001 and 0.00002; TOPMed 0.00001; ExAC 0.00002.
gnomAD v4.1: 23 of 1,612,730 alleles (0.0014%); highest among the groups gnomAD compares: East Asian, 0.0022%; no homozygotes.

Submission:

Labcorp Genetics (formerly Invitae), Labcorp
Classification: Uncertain significance for Left ventricular noncompaction 8. Last evaluated: 2024-05-01. Review status: criteria provided, single submitter. Criteria: Invitae Variant Classification Sherloc (09022015). Collection method: clinical testing. Allele origin: germline.
Comment: This sequence change replaces aspartic acid, which is acidic and polar, with alanine, which is neutral and non-polar, at codon 36 of the PRDM16 protein (p.Asp36Ala). This variant is present in population databases (rs746503102, gnomAD 0.002%). This variant has not been reported in the literature in individuals affected with PRDM16-related conditions. ClinVar contains an entry for this variant (Variation ID: 640545). An algorithm developed to predict the effect of missense changes on protein structure and function (PolyPhen-2) suggests that this variant is likely to be tolerated. In summary, the available evidence is currently insufficient to determine the role of this variant in disease. Therefore, it has been classified as a Variant of Uncertain Significance.

NM_022114.4(PRDM16):c.107A>C (p.Asp36Ala)

Gene: PRDM16 (PR/SET domain 16; plus strand). Cytogenetic location: 1p36.32.
Variant type: single nucleotide variant.
Coding change: c.107A>C on transcript NM_022114.4 (MANE Select); coding-DNA position 107, A replaced by C.
Protein change: p.Asp36Ala; replaces aspartic acid 36 with alanine.
Molecular consequence: missense variant.
Genome position (GRCh38, 1-based): chr1:3,186,194, A>C. VCF-style: chr1-3186194-A-C. GRCh37 (hg19) VCF-style: chr1-3102758-A-C.
Other names: c.107A>C, p.Asp36Ala (NM_199454.3); short protein forms D36A.
Identifiers: ClinVar variation 640545 (VCV000640545.10), dbSNP rs746503102, ClinGen allele CA543704.